The following is an entry in ClinVar:

NM_001370100.5(ZMYND11):c.1073G>C (p.Arg358Pro)

Gene: ZMYND11 (zinc finger MYND-type containing 11; plus strand). Cytogenetic location: 10p15.3.
Variant type: single nucleotide variant.
Coding change: c.1073G>C on transcript NM_001370100.5 (MANE Select); coding-DNA position 1073, G replaced by C.
Protein change: p.Arg358Pro; replaces arginine 358 with proline.
Molecular consequence: missense variant. On other transcripts: non-coding transcript variant (1).
Genome position (GRCh38, 1-based): chr10:246,888, G>C. VCF-style: chr10-246888-G-C. GRCh37 (hg19) VCF-style: chr10-292828-G-C.
Other names: c.1073G>C, p.Arg358Pro (NM_001161482.1, NM_001202468.1, NM_001370097.3 and 6 more transcripts); c.911G>C, p.Arg304Pro (NM_001202464.3, NM_001202467.1, NM_001370103.2 and 6 more transcripts); c.818G>C, p.Arg273Pro (NM_001202465.3, NM_001370110.2); c.908G>C, p.Arg303Pro (NM_001202466.3, NM_001370111.2); c.1022G>C, p.Arg341Pro (NM_001330057.3, NM_001370112.2); c.980G>C, p.Arg327Pro (NM_001370113.2, NM_001370114.2); c.1070G>C, p.Arg357Pro (NM_001370115.2, NM_212479.4); c.1007G>C, p.Arg336Pro (NM_001370116.2); and 7 more; short protein forms R201P, R239P, R256P, R264P, R273P, R282P, R303P, R304P.
Identifiers: ClinVar variation 2504781 (VCV002504781.1), dbSNP rs769891647, ClinGen allele CA375820039.

ClinVar aggregate classification (germline): Uncertain significance (1 of 4 stars; one submission).

Submission:

GeneDx
Classification: Uncertain significance. Last evaluated: 2022-12-06. Review status: criteria provided, single submitter. Criteria: GeneDx Variant Classification Process June 2021. Collection method: clinical testing. Allele origin: germline. Affected: yes.
Comment: Not observed at significant frequency in large population cohorts (gnomAD); In silico analysis supports that this missense variant has a deleterious effect on protein structure/function; Has not been previously published as pathogenic or benign to our knowledge